The following is an entry in ClinVar:

NM_023036.6(DNAI2):c.95T>A (p.Met32Lys)

Gene: DNAI2 (dynein axonemal intermediate chain 2; plus strand). Cytogenetic location: 17q25.1.
Variant type: single nucleotide variant.
Coding change: c.95T>A on transcript NM_023036.6 (MANE Select); coding-DNA position 95, T replaced by A.
Protein change: p.Met32Lys; replaces methionine 32 with lysine.
Molecular consequence: missense variant. On other transcripts: non-coding transcript variant (1).
Genome position (GRCh38, 1-based): chr17:74,281,912, T>A. VCF-style: chr17-74281912-T-A. GRCh37 (hg19) VCF-style: chr17-72278051-T-A.
Other names: c.95T>A, p.Met32Lys (NM_001172810.3, NM_001353167.2); c.95T>A (NM_023036.4); short protein forms M32K.
Identifiers: ClinVar variation 2153921 (VCV002153921.4), dbSNP rs144328249, ClinGen allele CA8745246.

ClinVar aggregate classification (germline): Uncertain significance. Review status: criteria provided, multiple submitters, no conflicts (2 of 4 stars). 2 submissions from 2 submitters: Uncertain significance (2). Last evaluated 2025-08-12.

Conditions:
Primary ciliary dyskinesia. Also called: Ciliary dyskinesia. Identifiers: Orphanet 244, MedGen C0008780, MONDO:0016575, HP:0012265.

Allele frequency attached by ClinVar (database versions not stated): TOPMed 0.00004; ExAC 0.00001; gnomAD 0.00003; ESP Exome Variant Server 0.00008.

Submissions (2):

Ambry Genetics
Classification: Uncertain significance for Primary ciliary dyskinesia. Last evaluated: 2025-08-12. Review status: criteria provided, single submitter. Criteria: Ambry Variant Classification Scheme 2023. Collection method: clinical testing. Allele origin: germline.

Labcorp Genetics (formerly Invitae), Labcorp
Classification: Uncertain significance for Primary ciliary dyskinesia. Last evaluated: 2022-03-20. Review status: criteria provided, single submitter. Criteria: Invitae Variant Classification Sherloc (09022015). Collection method: clinical testing. Allele origin: germline.
Comment: This sequence change replaces methionine, which is neutral and non-polar, with lysine, which is basic and polar, at codon 32 of the DNAI2 protein (p.Met32Lys). This variant is present in population databases (rs144328249, gnomAD 0.01%). This variant has not been reported in the literature in individuals affected with DNAI2-related conditions. Algorithms developed to predict the effect of missense changes on protein structure and function (SIFT, PolyPhen-2, Align-GVGD) all suggest that this variant is likely to be tolerated. In summary, the available evidence is currently insufficient to determine the role of this variant in disease. Therefore, it has been classified as a Variant of Uncertain Significance.